The following is an entry in ClinVar:

ClinVar aggregate classification (germline): Pathogenic. Review status: criteria provided, single submitter (1 of 4 stars). 2 submissions from 2 submitters: Pathogenic (1). 1 of the submissions does not count toward it. Last evaluated 2022-09-06.

Conditions:
Autosomal recessive limb-girdle muscular dystrophy type 2O. Also called: MUSCULAR DYSTROPHY-DYSTROGLYCANOPATHY (LIMB-GIRDLE), TYPE C, 3; MUSCULAR DYSTROPHY-DYSTROGLYCANOPATHY, LIMB-GIRDLE, POMGNT1-RELATED; Limb-Girdle Muscular Dystrophy Type 3C. Identifiers: Orphanet 206564, MedGen C3150417, MONDO:0013161, OMIM 613157.
Muscular dystrophy-dystroglycanopathy (congenital with impaired intellectual development), type B, 3. Also called: Muscular dystrophy-dystroglycanopathy (congenital with intellectual disability), type B3; MUSCULAR DYSTROPHY, CONGENITAL, POMGNT1-RELATED. Identifiers: MedGen C3150412, MONDO:0013155, OMIM 613151.
Muscle eye brain disease (MEB). Also called: Santavuori congenital muscular dystrophy. Identifiers: Orphanet 588, Orphanet 899, MedGen C0457133, MONDO:0018939.

Submissions (2):

Labcorp Genetics (formerly Invitae), Labcorp
Classification: Pathogenic for Autosomal recessive limb-girdle muscular dystrophy type 2O; Muscular dystrophy-dystroglycanopathy (congenital with impaired intellectual development), type B, 3. Last evaluated: 2022-09-06. Review status: criteria provided, single submitter. Criteria: Invitae Variant Classification Sherloc (09022015). Collection method: clinical testing. Allele origin: germline.
Comment: ClinVar contains an entry for this variant (Variation ID: 56599). This variant is also known as 541delT, Phe149 frameshift 167Stop. This premature translational stop signal has been observed in individual(s) with muscle–eye–brain disease (PMID: 12588800). This variant is not present in population databases (gnomAD no frequency). This sequence change creates a premature translational stop signal (p.Phe149Leufs*19) in the POMGNT1 gene. It is expected to result in an absent or disrupted protein product. Loss-of-function variants in POMGNT1 are known to be pathogenic (PMID: 19299310, 20816175, 21447391, 26908613, 27391550). For these reasons, this variant has been classified as Pathogenic.

Juha Muilu Group; Institute for Molecular Medicine Finland (FIMM)
Classification: Likely pathogenic for Muscle eye brain disease. Review status: no assertion criteria provided. Collection method: not provided. Allele origin: unknown. Not counted in ClinVar's aggregate classification.
Comment: FinDis database variant: This variant was not found or characterized by our laboratory, data were collected from public sources: see reference
ClinVar note: Converted during submission from probable-pathogenic to Likely pathogenic.

Literature cited by the submitters: PubMed 12588800 (cited by Labcorp Genetics (formerly Invitae), Labcorp); PubMed 19299310 (cited by Labcorp Genetics (formerly Invitae), Labcorp); PubMed 20816175 (cited by Labcorp Genetics (formerly Invitae), Labcorp); PubMed 21447391 (cited by Labcorp Genetics (formerly Invitae), Labcorp); PubMed 26908613 (cited by Labcorp Genetics (formerly Invitae), Labcorp); PubMed 27391550 (cited by Labcorp Genetics (formerly Invitae), Labcorp).

NM_017739.4(POMGNT1):c.447del (p.Phe149fs)

Genes: POMGNT1 (protein O-linked mannose N-acetylglucosaminyltransferase 1 (beta 1,2-); minus strand), TSPAN1 (tetraspanin 1; plus strand). Cytogenetic location: 1p34.1.
Variant type: Deletion.
Coding change: c.447del on transcript NM_017739.4 (MANE Select); coding-DNA position 447, one base deleted (T; older notation c.447delT).
Protein change: p.Phe149fs; shifts the reading frame from phenylalanine 149.
Molecular consequence: frameshift variant.
Genome position (GRCh38, 1-based): chr1:46,195,898, A deleted on the plus strand (T on the coding strand, the reverse complement: POMGNT1 is on the minus strand); the first of 3 consecutive A bases (chr1:46,195,898-46,195,900); deleting any one gives the same sequence. VCF-style (leftmost placement, unchanged base first): chr1-46195897-CA-C. GRCh37 (hg19) VCF-style: chr1-46661569-CA-C.
Other names: c.379delT, p.Phe127Leufs (NM_001290129.3); c.18del, p.Phe6fs (NM_001290130.2); c.447del, p.Phe149fs (NM_001410783.1, NM_001243766.2); c.447delT (NM_017739.3); short protein forms F127fs, F149fs, F6fs.
Identifiers: ClinVar variation 56599 (VCV000056599.7), dbSNP rs386834029, ClinGen allele CA263970.